The following is an entry in ClinVar:

Single allele

Gene: FANCG (FA complementation group G; minus strand). Cytogenetic location: 9p13.3.
Variant type: Duplication.
Identifiers: ClinVar variation 456066 (VCV000456066.1).

ClinVar aggregate classification (germline): Uncertain significance (1 of 4 stars; one submission).

Conditions:
Fanconi anemia (FA). Also called: Fanconi's anemia. Identifiers: Orphanet 84, MedGen C0015625, MeSH D005199, MONDO:0019391.

Submission:

Labcorp Genetics (formerly Invitae), Labcorp
Classification: Uncertain significance for Fanconi anemia. Last evaluated: 2017-06-23. Review status: criteria provided, single submitter. Criteria: Invitae Variant Classification Sherloc (09022015). Collection method: clinical testing. Allele origin: germline.
Comment: A gross duplication of the genomic region encompassing the full coding sequence of the FANCG gene has been identified. The boundaries of this event are unknown as the duplication extends beyond the assayed region for this gene and therefore may encompass additional genes. As the precise location of this duplication is unknown, it may be in tandem or it may be located elsewhere in the genome. This variant has not been reported in the literature in individuals with a FANCG-related disease. The exact genomic location of this variant is unknown. In summary, this variant has uncertain impact on FANCG function. The available evidence is currently insufficient to determine its role in disease. Therefore, it has been classified as a Variant of Uncertain Significance.